The following is an entry in ClinVar:

NM_000350.3(ABCA4):c.2900C>T (p.Ala967Val)

Gene: ABCA4 (ATP binding cassette subfamily A member 4; minus strand). Cytogenetic location: 1p22.1.
Variant type: single nucleotide variant.
Coding change: c.2900C>T on transcript NM_000350.3 (MANE Select); coding-DNA position 2900, C replaced by T.
Protein change: p.Ala967Val; replaces alanine 967 with valine.
Molecular consequence: missense variant.
Genome position (GRCh38, 1-based): chr1:94,046,937, G>A on the plus strand (C>T on the coding strand, the complement: ABCA4 is on the minus strand). VCF-style: chr1-94046937-G-A. GRCh37 (hg19) VCF-style: chr1-94512493-G-A.
Other names: NM_000350.3(ABCA4):c.2900C>T; p.Ala967Val; c.2678C>T, p.Ala893Val (NM_001425324.1); short protein forms A967V, A893V.
Identifiers: ClinVar variation 957296 (VCV000957296.14), dbSNP rs1291080436, ClinGen allele CA341275316.

ClinVar aggregate classification (germline): Likely pathogenic. Review status: reviewed by expert panel (3 of 4 stars). 5 submissions from 5 submitters: Likely pathogenic (1). 4 of the submissions do not count toward it. Last evaluated 2026-05-26.

Conditions:
ABCA4-related retinopathy. Also called: ABCA4-related retinoapthy; ABCA4 retinoapthy. Identifiers: MedGen CN322612, MONDO:0800406.
Retinitis pigmentosa 19 (RP19). Also called: ABCA4-Related Retinitis Pigmentosa. Identifiers: Orphanet 791, MedGen C1866422, MONDO:0011137, OMIM 601718.
Cone-rod dystrophy 3 (CORD3). Identifiers: Orphanet 1872, MedGen C1858806, MONDO:0011395, OMIM 604116.
Age related macular degeneration 2. Also called: MACULOPATHY, AGE-RELATED; MACULAR DEGENERATION, SENILE; MACULOPATHY, AGE-RELATED, 2. Identifiers: MedGen C3495438, MONDO:0007932, OMIM 153800.
Severe early-childhood-onset retinal dystrophy (STGD1). Also called: STGD; Stargardt macular dystrophy; Juvenile onset macular degeneration; Stargardt disease 1; MACULAR DYSTROPHY WITH FLECKS, TYPE 1. Identifiers: Orphanet 364055, Orphanet 827, MedGen C1855465, MeSH D000080362, MONDO:0009549, OMIM 248200.
Retinitis pigmentosa (RP). Identifiers: Orphanet 791, MedGen C0035334, MeSH D012174, MONDO:0019200, OMIM 268000. Inheritance: Autosomal dominant, autosomal recessive and X linked inheritance.

Submissions (5):

ClinGen ABCA4 Variant Curation Expert Panel, Clingen
Classification: Likely pathogenic for ABCA4-related retinopathy. Last evaluated: 2026-05-26. Review status: reviewed by expert panel. Criteria: ClinGen ABCA4 ACMG Specifications V1.0.0. Collection method: curation. Allele origin: germline. Inheritance: Autosomal recessive inheritance.
Comment: The NM_000350.3(ABCA4):c.2900C>T variant in ABCA4 is a missense variant predicted to cause substitution of Alanine by Valine at amino acid 967; p.Ala967Val. This variant is absent from gnomAD v4.1.0 meeting PM2_Supporting. The computational predictor REVEL gives a score of 0.956 which is above the threshold of >0.772 meeting PP3_Moderate. The prevalence of the variant in affected individuals is significantly increased compared with the prevalence in controls with an OR of infinity and CI of 2.24-infinity (PS4; PMID: 35120629). At least one patient with this variant displayed presence of at least two ABCA4 variants, onset under 18 years of age, macular flecks on imaging, macular atrophy, and decreased central visual acuity, which is highly specific for ABCA4-related retinopathy (PP4; PMID: 31934596). This variant has been detected in at least 1 individual with ABCA4-related retinopathy who was homozygous for the variant (PM3_Supporting; PMID: 31934596). In summary, this variant meets the criteria to be classified as likely pathogenic for ABCA4-related retinopathy based on the ACMG/AMP criteria applied, as specified by the ClinGen ABCA4 VCEP specification version 1.0.0: PS4, PP4, PM3_Supporting, PP3_Moderate, PM2_Supporting.

Fulgent Genetics
Classification: Likely pathogenic for Age related macular degeneration 2; Severe early-childhood-onset retinal dystrophy; Retinitis pigmentosa 19; Cone-rod dystrophy 3. Last evaluated: 2024-04-18. Review status: criteria provided, single submitter. Criteria: ACMG Guidelines, 2015. Collection method: clinical testing. Allele origin: germline. Not counted in ClinVar's aggregate classification.

Women's Health and Genetics/Laboratory Corporation of America, LabCorp
Classification: Likely pathogenic for Retinitis pigmentosa. Last evaluated: 2024-04-12. Review status: criteria provided, single submitter. Criteria: LabCorp Variant Classification Summary - May 2015. Collection method: clinical testing. Allele origin: germline. Not counted in ClinVar's aggregate classification.
Comment: Variant summary: ABCA4 c.2900C>T (p.Ala967Val) results in a non-conservative amino acid change located in the ABC transporter-like, ATP-binding domain (IPR003439) of the encoded protein sequence. Five of five in-silico tools predict a damaging effect of the variant on protein function. The variant was absent in 251278 control chromosomes. Another study reporting personalized genetic counseling for Stargardt disease based on variant severity lists this variant among those with a moderate/severe category stating an offspring risk of 1.7-1.9% among carrier couples (Cornelis_2022). These data indicate that the variant is likely to be associated with disease. To our knowledge, no experimental evidence demonstrating an impact on protein function has been reported. The following publications have been ascertained in the context of this evaluation (PMID: 35120629, 31934596). ClinVar contains an entry for this variant (Variation ID: 957296). Based on the evidence outlined above, the variant was classified as likely pathogenic.

Labcorp Genetics (formerly Invitae), Labcorp
Classification: Pathogenic. Last evaluated: 2023-09-29. Review status: criteria provided, single submitter. Criteria: Invitae Variant Classification Sherloc (09022015). Collection method: clinical testing. Allele origin: germline. Not counted in ClinVar's aggregate classification.
Comment: This sequence change replaces alanine, which is neutral and non-polar, with valine, which is neutral and non-polar, at codon 967 of the ABCA4 protein (p.Ala967Val). This variant is not present in population databases (gnomAD no frequency). This missense change has been observed in individual(s) with Stargardt disease (PMID: 31934596; Invitae). ClinVar contains an entry for this variant (Variation ID: 957296). Advanced modeling of protein sequence and biophysical properties (such as structural, functional, and spatial information, amino acid conservation, physicochemical variation, residue mobility, and thermodynamic stability) performed at Invitae indicates that this missense variant is expected to disrupt ABCA4 protein function. For these reasons, this variant has been classified as Pathogenic.

GeneDx
Classification: Uncertain significance. Last evaluated: 2019-10-09. Review status: criteria provided, single submitter. Criteria: GeneDx Variant Classification Process June 2021. Collection method: clinical testing. Allele origin: germline. Affected: yes. Not counted in ClinVar's aggregate classification.
Comment: Not observed in large population cohorts (Lek et al., 2016); In silico analysis, which includes protein predictors and evolutionary conservation, supports a deleterious effect; Has not been previously published as pathogenic or benign to our knowledge; This variant is associated with the following publications: (PMID: 31934596)

Literature cited by the submitters: PubMed 35120629 (cited by Women's Health and Genetics/Laboratory Corporation of America, LabCorp); PubMed 31934596 (cited by Women's Health and Genetics/Laboratory Corporation of America, LabCorp and Labcorp Genetics (formerly Invitae), Labcorp).